The following is an entry in ClinVar:

NM_000359.3(TGM1):c.1570_1596del (p.Gly524_Ile532del)

Gene: TGM1 (transglutaminase 1; minus strand). Cytogenetic location: 14q12.
Variant type: Deletion.
Coding change: c.1570_1596del on transcript NM_000359.3 (MANE Select); coding-DNA positions 1570 to 1596, 27 bases deleted (GGCACACTCATTGTCACAAAGGCCATC).
Protein change: p.Gly524_Ile532del.
Molecular consequence: inframe deletion.
Genome position (GRCh38, 1-based): chr14:24,255,413-24,255,439, GATGGCCTTTGTGACAATGAGTGTGCC deleted on the plus strand (GGCACACTCATTGTCACAAAGGCCATC on the coding strand, the reverse complement: TGM1 is on the minus strand); deleting any 27 consecutive bases within chr14:24,255,413-24,255,448 gives the same sequence; the c. name uses the placement nearest the transcript's 3' end. VCF-style (leftmost placement, unchanged base first): chr14-24255412-TGATGGCCTTTGTGACAATGAGTGTGCC-T. GRCh37 (hg19) VCF-style: chr14-24724618-TGATGGCCTTTGTGACAATGAGTGTGCC-T.
Identifiers: ClinVar variation 2995756 (VCV002995756.3), dbSNP rs776552228, ClinGen allele CA7131045.

ClinVar aggregate classification (germline): Pathogenic (1 of 4 stars; one submission).

Submission:

Labcorp Genetics (formerly Invitae), Labcorp
Classification: Pathogenic. Last evaluated: 2023-06-16. Review status: criteria provided, single submitter. Criteria: Invitae Variant Classification Sherloc (09022015). Collection method: clinical testing. Allele origin: germline.
Comment: For these reasons, this variant has been classified as Pathogenic. This variant disrupts a region of the TGM1 protein in which other variant(s) (p.Gly524Ser) have been determined to be pathogenic (PMID: 22801880, 28747283). This suggests that this is a clinically significant region of the protein, and that variants that disrupt it are likely to be disease-causing. This variant has not been reported in the literature in individuals affected with TGM1-related conditions. This variant is present in population databases (rs776552228, gnomAD 0.0009%). This variant, c.1570_1596del, results in the deletion of 9 amino acid(s) of the TGM1 protein (p.Gly524_Ile532del), but otherwise preserves the integrity of the reading frame.

Literature cited by the submitters: PubMed 22801880; PubMed 28747283.